The following is an entry in ClinVar:

NM_002734.5(PRKAR1A):c.974-6C>A

Gene: PRKAR1A (protein kinase cAMP-dependent type I regulatory subunit alpha; plus strand). Cytogenetic location: 17q24.2.
Variant type: single nucleotide variant.
Coding change: c.974-6C>A on transcript NM_002734.5 (MANE Select); 6 bases into the intron before coding-DNA position 974, C replaced by A.
Molecular consequence: intron variant.
Genome position (GRCh38, 1-based): chr17:68,530,271, C>A. VCF-style: chr17-68530271-C-A. GRCh37 (hg19) VCF-style: chr17-66526412-C-A.
Other names: c.974-6C>A (NM_001278433.2, NM_001369389.1, NM_212471.3 and 3 more transcripts); c.973+270C>A (NM_001276290.1).
Identifiers: ClinVar variation 536895 (VCV000536895.9), dbSNP rs745570426, ClinGen allele CA8729453.

ClinVar aggregate classification (germline): Conflicting classifications of pathogenicity. Review status: criteria provided, conflicting classifications (1 of 4 stars). 2 submissions from 2 submitters: Uncertain significance (1); Likely benign (1). Last evaluated 2025-12-02.

Conditions:
Carney complex, type 1 (CNC1). Also called: CARNEY MYXOMA-ENDOCRINE COMPLEX; CARNEY COMPLEX, TYPE I. Identifiers: Orphanet 1359, MedGen C2607929, MONDO:0008057, OMIM 160980.

Allele frequency attached by ClinVar (database versions not stated): ExAC 0.00001; gnomAD 0.00001; gnomAD exomes below 0.00001.
gnomAD v4.1: 3 of 1,613,956 alleles (0.00019%); highest among the groups gnomAD compares: African/African-American, 0.004%; no homozygotes.

Submissions (2):

Labcorp Genetics (formerly Invitae), Labcorp
Classification: Likely benign for Carney complex, type 1. Last evaluated: 2025-12-02. Review status: criteria provided, single submitter. Criteria: Invitae Variant Classification Sherloc (09022015). Collection method: clinical testing. Allele origin: germline.

Women's Health and Genetics/Laboratory Corporation of America, LabCorp
Classification: Uncertain significance. Last evaluated: 2020-04-23. Review status: criteria provided, single submitter. Criteria: LabCorp Variant Classification Summary - May 2015. Collection method: clinical testing. Allele origin: germline.
Comment: Variant summary: PRKAR1A c.974-6C>A alters a non-conserved nucleotide located close to a canonical splice site and therefore could affect mRNA splicing, leading to a significantly altered protein sequence. Several computational tools predict a significant impact on normal splicing: Three predict the variant weakens a 3' acceptor site. However, these predictions have yet to be confirmed by functional studies. The variant allele was found at a frequency of 4e-06 in 251012 control chromosomes. The available data on variant occurrences in the general population are insufficient to allow any conclusion about variant significance. To our knowledge, no occurrence of c.974-6C>A in individuals affected with Carney Complex and no experimental evidence demonstrating its impact on protein function have been reported. One clinical diagnostic laboratory has submitted clinical-significance assessments for this variant to ClinVar after 2014 without evidence for independent evaluation. One laboratory classified the variant as uncertain significance. Based on the evidence outlined above, the variant was classified as uncertain significance.